The following is an entry in ClinVar:

ClinVar aggregate classification (germline): Likely benign. Review status: criteria provided, single submitter (1 of 4 stars). 2 submissions from 2 submitters: Likely benign (1). 1 of the submissions does not count toward it. Last evaluated 2025-12-15.

Conditions:
LTBP3-related disorder. Also called: LTBP3-related condition.
Brachyolmia-amelogenesis imperfecta syndrome. Also called: PLATYSPONDYLY WITH AMELOGENESIS IMPERFECTA; Tooth agenesis, selective, 6; Dental anomalies and short stature. Identifiers: Orphanet 2899, MedGen C1832594, MONDO:0011018, OMIM 601216. Disease mechanism: loss of function.

Allele frequency attached by ClinVar (database versions not stated): 1000 Genomes Project 30x 0.00031; 1000 Genomes Project 0.00040.
gnomAD v4.1: 68 of 1,613,906 alleles (0.0042%); highest among the groups gnomAD compares: Middle Eastern, 0.033%; no homozygotes.

Submissions (2):

Labcorp Genetics (formerly Invitae), Labcorp
Classification: Likely benign for Brachyolmia-amelogenesis imperfecta syndrome. Last evaluated: 2025-12-15. Review status: criteria provided, single submitter. Criteria: Invitae Variant Classification Sherloc (09022015). Collection method: clinical testing. Allele origin: germline.

PreventionGenetics, part of Exact Sciences
Classification: Likely benign for LTBP3-related condition. Last evaluated: 2023-10-26. Review status: no assertion criteria provided. Collection method: clinical testing. Allele origin: germline. Not counted in ClinVar's aggregate classification.
Comment: This variant is classified as likely benign based on ACMG/AMP sequence variant interpretation guidelines (Richards et al. 2015 PMID: 25741868, with internal and published modifications).

NM_001130144.3(LTBP3):c.2597-5C>T

Gene: LTBP3 (latent transforming growth factor beta binding protein 3; minus strand). Cytogenetic location: 11q13.1.
Variant type: single nucleotide variant.
Coding change: c.2597-5C>T on transcript NM_001130144.3 (MANE Select); 5 bases into the intron before coding-DNA position 2597, C replaced by T.
Molecular consequence: intron variant.
Genome position (GRCh38, 1-based): chr11:65,541,733, G>A on the plus strand (C>T on the coding strand, the complement: LTBP3 is on the minus strand). VCF-style: chr11-65541733-G-A. GRCh37 (hg19) VCF-style: chr11-65309204-G-A.
Other names: c.2246-5C>T (NM_001164266.1); c.2597-5C>T (NM_021070.4, NM_001130144.2).
Identifiers: ClinVar variation 1650677 (VCV001650677.10), dbSNP rs201473453, ClinGen allele CA6100538.